The following is an entry in ClinVar:

ClinVar aggregate classification (germline): Benign/Likely benign. Review status: criteria provided, multiple submitters, no conflicts (2 of 4 stars). 2 submissions from 2 submitters: Benign (1); Likely benign (1). Last evaluated 2023-04-11.

Allele frequency attached by ClinVar (database versions not stated): gnomAD exomes below 0.00001; gnomAD 0.00001; TOPMed 0.00002.
gnomAD v4.1: 2 of 1,614,004 alleles (0.00012%); highest among the groups gnomAD compares: Non-Finnish European, 0.00017%; no homozygotes.

Submissions (2):

Labcorp Genetics (formerly Invitae), Labcorp
Classification: Benign. Last evaluated: 2023-04-11. Review status: criteria provided, single submitter. Criteria: Invitae Variant Classification Sherloc (09022015). Collection method: clinical testing. Allele origin: germline.

GeneDx
Classification: Likely benign. Last evaluated: 2023-02-23. Review status: criteria provided, single submitter. Criteria: GeneDx Variant Classification Process June 2021. Collection method: clinical testing. Allele origin: germline. Affected: yes.
Comment: See Variant Classification Assertion Criteria.

NM_004958.4(MTOR):c.5138C>T (p.Ala1713Val)

Gene: MTOR (mechanistic target of rapamycin kinase; minus strand). Cytogenetic location: 1p36.22.
Variant type: single nucleotide variant.
Coding change: c.5138C>T on transcript NM_004958.4 (MANE Select); coding-DNA position 5138, C replaced by T.
Protein change: p.Ala1713Val; replaces alanine 1713 with valine.
Molecular consequence: missense variant.
Genome position (GRCh38, 1-based): chr1:11,134,459, G>A on the plus strand (C>T on the coding strand, the complement: MTOR is on the minus strand). VCF-style: chr1-11134459-G-A. GRCh37 (hg19) VCF-style: chr1-11194516-G-A.
Other names: c.5138C>T, p.Ala1713Val (NM_001386500.1); c.3890C>T, p.Ala1297Val (NM_001386501.1); short protein forms A1297V, A1713V.
Identifiers: ClinVar variation 2504330 (VCV002504330.4), dbSNP rs1012020691, ClinGen allele CA17946928.